The following is an entry in ClinVar:

ClinVar aggregate classification (germline): Uncertain significance. Review status: criteria provided, multiple submitters, no conflicts (2 of 4 stars). 2 submissions from 2 submitters: Uncertain significance (2). Last evaluated 2024-07-30.

Submissions (2):

Women's Health and Genetics/Laboratory Corporation of America, LabCorp
Classification: Uncertain significance. Last evaluated: 2024-07-30. Review status: criteria provided, single submitter. Criteria: LabCorp Variant Classification Summary - May 2015. Collection method: clinical testing. Allele origin: germline.
Comment: Variant summary: CACNA1D c.3402T>A (p.Asn1134Lys) results in a non-conservative amino acid change in the Ion transport domain (IPR005821) of the encoded protein sequence. Three of five in-silico tools predict a damaging effect of the variant on protein function. The variant was absent in 251344 control chromosomes. The available data on variant occurrences in the general population are insufficient to allow any conclusion about variant significance. To our knowledge, no occurrence of c.3402T>A in individuals affected with Sinoatrial Node Dysfunction And Deafness and no experimental evidence demonstrating its impact on protein function have been reported. No submitters have cited clinical-significance assessments for this variant to ClinVar. Based on the evidence outlined above, the variant was classified as uncertain significance.

Labcorp Genetics (formerly Invitae), Labcorp
Classification: Uncertain significance. Last evaluated: 2024-02-15. Review status: criteria provided, single submitter. Criteria: Invitae Variant Classification Sherloc (09022015). Collection method: clinical testing. Allele origin: germline.
Comment: This sequence change replaces asparagine, which is neutral and polar, with lysine, which is basic and polar, at codon 1134 of the CACNA1D protein (p.Asn1134Lys). This variant is not present in population databases (gnomAD no frequency). This variant has not been reported in the literature in individuals affected with CACNA1D-related conditions. Advanced modeling of protein sequence and biophysical properties (such as structural, functional, and spatial information, amino acid conservation, physicochemical variation, residue mobility, and thermodynamic stability) performed at Invitae indicates that this missense variant is not expected to disrupt CACNA1D protein function with a negative predictive value of 80%. In summary, the available evidence is currently insufficient to determine the role of this variant in disease. Therefore, it has been classified as a Variant of Uncertain Significance.

NM_001128840.3(CACNA1D):c.3342T>A (p.Asn1114Lys)

Genes: CACNA1D (calcium voltage-gated channel subunit alpha1 D; plus strand), LOC129936904 (ATAC-STARR-seq lymphoblastoid active region 19969; plus strand). Cytogenetic location: 3p21.1.
Variant type: single nucleotide variant.
Coding change: c.3342T>A on transcript NM_001128840.3 (MANE Select); coding-DNA position 3342, T replaced by A.
Protein change: p.Asn1114Lys; replaces asparagine 1114 with lysine.
Molecular consequence: missense variant.
Genome position (GRCh38, 1-based): chr3:53,749,295, T>A. VCF-style: chr3-53749295-T-A. GRCh37 (hg19) VCF-style: chr3-53783322-T-A.
Other names: c.3402T>A, p.Asn1134Lys (NM_000720.4); c.3342T>A, p.Asn1114Lys (NM_001128839.3); short protein forms N1114K, N1134K.
Identifiers: ClinVar variation 3339251 (VCV003339251.3).